The following is an entry in ClinVar:

NM_012388.4(BLOC1S6):c.82+1G>A

Gene: BLOC1S6 (biogenesis of lysosomal organelles complex 1 subunit 6; plus strand). Cytogenetic location: 15q21.1.
Variant type: single nucleotide variant.
Coding change: c.82+1G>A on transcript NM_012388.4 (MANE Select); the canonical splice donor site of the intron after coding-DNA position 82, G replaced by A.
Molecular consequence: splice donor variant.
Genome position (GRCh38, 1-based): chr15:45,587,526, G>A. VCF-style: chr15-45587526-G-A. GRCh37 (hg19) VCF-style: chr15-45879724-G-A.
Identifiers: ClinVar variation 2791183 (VCV002791183.2), dbSNP rs1194283484, ClinGen allele CA392297486.

ClinVar aggregate classification (germline): Likely pathogenic (1 of 4 stars; one submission).

Conditions:
Hermansky-Pudlak syndrome 9 (HPS9). Identifiers: Orphanet 280663, Orphanet 79430, MedGen C3280026, MONDO:0013606, OMIM 614171.

gnomAD v4.1: 4 of 1,571,724 alleles (0.00025%); highest among the groups gnomAD compares: Admixed American, 0.0018%; no homozygotes.

Submission:

Labcorp Genetics (formerly Invitae), Labcorp
Classification: Likely pathogenic for Hermansky-Pudlak syndrome 9. Last evaluated: 2023-10-03. Review status: criteria provided, single submitter. Criteria: Invitae Variant Classification Sherloc (09022015). Collection method: clinical testing. Allele origin: germline.
Comment: This sequence change affects a donor splice site in intron 1 of the BLOC1S6 gene. It is expected to disrupt RNA splicing. Variants that disrupt the donor or acceptor splice site typically lead to a loss of protein function (PMID: 16199547), and loss-of-function variants in BLOC1S6 are known to be pathogenic (PMID: 10610180, 21665000, 22461475). The frequency data for this variant in the population databases is considered unreliable, as metrics indicate poor data quality at this position in the gnomAD database. This variant has not been reported in the literature in individuals affected with BLOC1S6-related conditions. Algorithms developed to predict the effect of sequence changes on RNA splicing suggest that this variant may disrupt the consensus splice site. In summary, the currently available evidence indicates that the variant is pathogenic, but additional data are needed to prove that conclusively. Therefore, this variant has been classified as Likely Pathogenic.

Literature cited by the submitters: PubMed 16199547; PubMed 10610180; PubMed 21665000; PubMed 22461475.